The following is an entry in ClinVar:

NM_006648.4(WNK2):c.6571C>T (p.Pro2191Ser)

Gene: WNK2 (WNK lysine deficient protein kinase 2; plus strand). Cytogenetic location: 9q22.31.
Variant type: single nucleotide variant.
Coding change: c.6571C>T on transcript NM_006648.4 (MANE Select); coding-DNA position 6571, C replaced by T.
Protein change: p.Pro2191Ser; replaces proline 2191 with serine.
Molecular consequence: missense variant.
Genome position (GRCh38, 1-based): chr9:93,317,574, C>T. VCF-style: chr9-93317574-C-T. GRCh37 (hg19) VCF-style: chr9-96079856-C-T.
Other names: c.6682C>T, p.Pro2228Ser (NM_001282394.3); short protein forms P2228S, P2191S.
Identifiers: ClinVar variation 3816451 (VCV003816451.1).

ClinVar aggregate classification (germline): Uncertain significance (1 of 4 stars; one submission).

gnomAD v4.1: 5 of 1,613,584 alleles (0.00031%); highest among the groups gnomAD compares: East Asian, 0.011%; no homozygotes.

Submission:

Ambry Genetics
Classification: Uncertain significance. Last evaluated: 2024-12-13. Review status: criteria provided, single submitter. Criteria: Ambry Variant Classification Scheme 2023. Collection method: clinical testing. Allele origin: germline.
Comment: The p.P2191S variant (also known as c.6571C>T), located in coding exon 28 of the WNK2 gene, results from a C to T substitution at nucleotide position 6571. The proline at codon 2191 is replaced by serine, an amino acid with similar properties. This amino acid position is conserved. In addition, this alteration is predicted to be tolerated by in silico analysis. Based on the available evidence, the clinical significance of this variant remains unclear.